The following is an entry in ClinVar:

ClinVar aggregate classification (germline): Uncertain significance (1 of 4 stars; one submission).

Conditions:
Muscular dystrophy-dystroglycanopathy (congenital with impaired intellectual development), type B, 2. Also called: Muscular dystrophy-dystroglycanopathy (congenital with intellectual disability), type B2; MUSCULAR DYSTROPHY, CONGENITAL, POMT2-RELATED. Identifiers: MedGen C3150416, MONDO:0013160, OMIM 613156.
Autosomal recessive limb-girdle muscular dystrophy type 2N. Also called: MUSCULAR DYSTROPHY-DYSTROGLYCANOPATHY, LIMB-GIRDLE, POMT2-RELATED; Muscular dystrophy-dystroglycanopathy (limb-girdle), type C, 2. Identifiers: Orphanet 206559, MedGen C3150418, MONDO:0013162, OMIM 613158.
Muscular dystrophy-dystroglycanopathy (congenital with brain and eye anomalies), type A2. Also called: MUSCULAR DYSTROPHY-DYSTROGLYCANOPATHY (CONGENITAL WITH BRAIN AND EYE ANOMALIES), TYPE A, 2; WALKER-WARBURG SYNDROME OR MUSCLE-EYE-BRAIN DISEASE, POMT2-RELATED. Identifiers: Orphanet 588, Orphanet 899, MedGen C3150411, MONDO:0013154, OMIM 613150.

Allele frequency attached by ClinVar (database versions not stated): gnomAD exomes below 0.00001.
gnomAD v4.1: 1 of 1,614,064 alleles (0.000062%); highest among the groups gnomAD compares: Non-Finnish European, 0.000085%; no homozygotes.

Submission:

Labcorp Genetics (formerly Invitae), Labcorp
Classification: Uncertain significance for Muscular dystrophy-dystroglycanopathy (congenital with impaired intellectual development), type B, 2; Muscular dystrophy-dystroglycanopathy (congenital with brain and eye anomalies), type A2; Autosomal recessive limb-girdle muscular dystrophy type 2N. Last evaluated: 2022-08-01. Review status: criteria provided, single submitter. Criteria: Invitae Variant Classification Sherloc (09022015). Collection method: clinical testing. Allele origin: germline.
Comment: This variant is not present in population databases (gnomAD no frequency). This sequence change replaces lysine, which is basic and polar, with arginine, which is basic and polar, at codon 111 of the POMT2 protein (p.Lys111Arg). This variant has not been reported in the literature in individuals affected with POMT2-related conditions. In summary, the available evidence is currently insufficient to determine the role of this variant in disease. Therefore, it has been classified as a Variant of Uncertain Significance. Algorithms developed to predict the effect of sequence changes on RNA splicing suggest that this variant may disrupt the consensus splice site. Algorithms developed to predict the effect of missense changes on protein structure and function (SIFT, PolyPhen-2, Align-GVGD) all suggest that this variant is likely to be disruptive.

NM_013382.7(POMT2):c.332A>G (p.Lys111Arg)

Gene: POMT2 (protein O-mannosyltransferase 2; minus strand). Cytogenetic location: 14q24.3.
Variant type: single nucleotide variant.
Coding change: c.332A>G on transcript NM_013382.7 (MANE Select); coding-DNA position 332, A replaced by G.
Protein change: p.Lys111Arg; replaces lysine 111 with arginine.
Molecular consequence: missense variant.
Genome position (GRCh38, 1-based): chr14:77,311,950, T>C on the plus strand (A>G on the coding strand, the complement: POMT2 is on the minus strand). VCF-style: chr14-77311950-T-C. GRCh37 (hg19) VCF-style: chr14-77778293-T-C.
Other names: short protein forms K111R.
Identifiers: ClinVar variation 2158267 (VCV002158267.4), dbSNP rs2503332580, ClinGen allele CA390502518.